The following is an entry in ClinVar:

ClinVar aggregate classification (germline): Uncertain significance (1 of 4 stars; one submission).

gnomAD v4.1: 1 of 1,614,218 alleles (0.000062%); highest among the groups gnomAD compares: Non-Finnish European, 0.000085%; no homozygotes.

Submission:

Ambry Genetics
Classification: Uncertain significance. Last evaluated: 2025-07-21. Review status: criteria provided, single submitter. Criteria: Ambry Variant Classification Scheme 2023. Collection method: clinical testing. Allele origin: germline.
Comment: The p.W747* variant (also known as c.2240G>A), located in coding exon 8 of the RNF43 gene, results from a G to A substitution at nucleotide position 2240. This changes the amino acid from a tryptophan to a stop codon within coding exon 8. The evidence for this gene-disease relationship is limited; therefore, the clinical significance of this alteration is unclear.

NM_017763.6(RNF43):c.2240G>A (p.Trp747Ter)

Gene: RNF43 (ring finger protein 43; minus strand). Cytogenetic location: 17q22.
Variant type: single nucleotide variant.
Coding change: c.2240G>A on transcript NM_017763.6 (MANE Select); coding-DNA position 2240, G replaced by A.
Protein change: p.Trp747Ter; replaces tryptophan 747 with a stop codon.
Molecular consequence: nonsense.
Genome position (GRCh38, 1-based): chr17:58,357,536, C>T on the plus strand (G>A on the coding strand, the complement: RNF43 is on the minus strand). VCF-style: chr17-58357536-C-T. GRCh37 (hg19) VCF-style: chr17-56434897-C-T.
Other names: c.2240G>A, p.Trp747Ter (NM_001305544.3, NM_001438820.1, NM_001438821.1 and 1 more transcripts); c.1859G>A, p.Trp620Ter (NM_001305545.2, NM_001437987.1); short protein forms W620*, W747*.
Identifiers: ClinVar variation 4155714 (VCV004155714.1).